The following is an entry in ClinVar:

ClinVar aggregate classification (germline): Uncertain significance (1 of 4 stars; one submission).

Conditions:
Cardiovascular phenotype. Identifiers: MedGen CN230736.

Submission:

Ambry Genetics
Classification: Uncertain significance for Cardiovascular phenotype. Last evaluated: 2023-08-23. Review status: criteria provided, single submitter. Criteria: Ambry Variant Classification Scheme 2023. Collection method: clinical testing. Allele origin: germline.
Comment: The p.P638A variant (also known as c.1912C>G), located in coding exon 9 of the RBM20 gene, results from a C to G substitution at nucleotide position 1912. The proline at codon 638 is replaced by alanine, an amino acid with highly similar properties. This variant has been detected in a family with features of noncompaction and dilated cardiomyopathy (Fernlund E et al. Genes (Basel), 2020 Dec;11). This variant has also been detected in an individual from a school-based ECG screening cohort; however, details were limited (Fukuyama M et al. Europace, 2022 Oct;24:1496-1503). This amino acid position is highly conserved in available vertebrate species. In addition, the in silico prediction for this alteration is inconclusive. Since supporting evidence is limited at this time, the clinical significance of this alteration remains unclear.

Literature cited by the submitters: PubMed 33302605; PubMed 35060598.

NM_001134363.3(RBM20):c.1912C>G (p.Pro638Ala)

Gene: RBM20 (RNA binding motif protein 20; plus strand). Cytogenetic location: 10q25.2.
Variant type: single nucleotide variant.
Coding change: c.1912C>G on transcript NM_001134363.3 (MANE Select); coding-DNA position 1912, C replaced by G.
Protein change: p.Pro638Ala; replaces proline 638 with alanine.
Molecular consequence: missense variant.
Genome position (GRCh38, 1-based): chr10:110,812,309, C>G. VCF-style: chr10-110812309-C-G. GRCh37 (hg19) VCF-style: chr10-112572067-C-G.
Other names: short protein forms P638A.
Identifiers: ClinVar variation 2626079 (VCV002626079.2), dbSNP rs2493472886, ClinGen allele CA378370330.